The following is an entry in ClinVar:

ClinVar aggregate classification (germline): Uncertain significance. Review status: criteria provided, multiple submitters, no conflicts (2 of 4 stars). 3 submissions from 3 submitters: Uncertain significance (3). Last evaluated 2025-09-20.

Conditions:
Microcephaly, normal intelligence and immunodeficiency (NBS). Also called: Immunodeficiency, microcephaly with normal intelligence; Ataxia telangiectasia variant V1; IMMUNODEFICIENCY, MICROCEPHALY, AND CHROMOSOMAL INSTABILITY; BERLIN BREAKAGE SYNDROME; SEEMANOVA SYNDROME II; Nijmegen breakage syndrome. Identifiers: Orphanet 647, MedGen C0398791, MONDO:0009623, OMIM 251260.
Hereditary cancer-predisposing syndrome. Also called: Neoplastic Syndromes, Hereditary; Hereditary neoplastic syndrome; Tumor predisposition; Hereditary Cancer Syndrome. Identifiers: Orphanet 140162, MedGen C0027672, MeSH D009386, MONDO:0015356.

Submissions (3):

Ambry Genetics
Classification: Uncertain significance for Hereditary cancer-predisposing syndrome. Last evaluated: 2025-09-20. Review status: criteria provided, single submitter. Criteria: Ambry Variant Classification Scheme 2023. Collection method: clinical testing. Allele origin: germline.
Comment: The p.E625G variant (also known as c.1874A>G), located in coding exon 12 of the NBN gene, results from an A to G substitution at nucleotide position 1874. The glutamic acid at codon 625 is replaced by glycine, an amino acid with similar properties. This amino acid position is conserved. In addition, this alteration is predicted to be tolerated by in silico analysis. Since supporting evidence is limited at this time, the clinical significance of this alteration remains unclear.

Quest Diagnostics Nichols Institute San Juan Capistrano
Classification: Uncertain significance. Last evaluated: 2025-06-23. Review status: criteria provided, single submitter. Criteria: Quest Diagnostics criteria. Collection method: clinical testing. Allele origin: unknown.
Comment: The NBN c.1874A>G (p.Glu625Gly) variant has been reported in the published literature in in a large pan-cancer study as a variant of uncertain significance (PMID: 36346689 (2023)). This variant has not been reported in large, multi-ethnic general populations (Genome Aggregation Database). Analysis of this variant using bioinformatics tools for the prediction of the effect of amino acid changes on protein structure and function yielded predictions that this variant is benign. Based on the available information, we are unable to determine the clinical significance of this variant.

Labcorp Genetics (formerly Invitae), Labcorp
Classification: Uncertain significance for Microcephaly, normal intelligence and immunodeficiency. Last evaluated: 2024-04-10. Review status: criteria provided, single submitter. Criteria: Invitae Variant Classification Sherloc (09022015). Collection method: clinical testing. Allele origin: germline.
Comment: This sequence change replaces glutamic acid, which is acidic and polar, with glycine, which is neutral and non-polar, at codon 625 of the NBN protein (p.Glu625Gly). This variant is not present in population databases (gnomAD no frequency). This variant has not been reported in the literature in individuals affected with NBN-related conditions. ClinVar contains an entry for this variant (Variation ID: 530723). An algorithm developed to predict the effect of missense changes on protein structure and function (PolyPhen-2) suggests that this variant is likely to be disruptive. In summary, the available evidence is currently insufficient to determine the role of this variant in disease. Therefore, it has been classified as a Variant of Uncertain Significance.

Literature cited by the submitters: PubMed 36346689 (cited by Quest Diagnostics Nichols Institute San Juan Capistrano).

NM_002485.5(NBN):c.1874A>G (p.Glu625Gly)

Genes: NBN (nibrin; minus strand), LOC126860438 (MED14-independent group 3 enhancer GRCh37_chr8:90959982-90961181; plus strand). Cytogenetic location: 8q21.3.
Variant type: single nucleotide variant.
Coding change: c.1874A>G on transcript NM_002485.5 (MANE Select); coding-DNA position 1874, A replaced by G.
Protein change: p.Glu625Gly; replaces glutamic acid 625 with glycine.
Molecular consequence: missense variant.
Genome position (GRCh38, 1-based): chr8:89,947,864, T>C on the plus strand (A>G on the coding strand, the complement: NBN is on the minus strand). VCF-style: chr8-89947864-T-C. GRCh37 (hg19) VCF-style: chr8-90960092-T-C.
Other names: c.1628A>G, p.Glu543Gly (NM_001024688.3); short protein forms E625G, E543G.
Identifiers: ClinVar variation 530723 (VCV000530723.15), dbSNP rs1554556929, ClinGen allele CA371677263.